The following is an entry in ClinVar:

ClinVar aggregate classification (germline): Uncertain significance (1 of 4 stars; one submission).

Conditions:
ABCA7-related disorder. Also called: ABCA7-related condition.

gnomAD v4.1: 34 of 1,594,132 alleles (0.0021%); highest among the groups gnomAD compares: South Asian, 0.037%; no homozygotes.

Submission:

PreventionGenetics, part of Exact Sciences
Classification: Uncertain significance for ABCA7-related condition. Last evaluated: 2025-09-09. Review status: criteria provided, single submitter. Criteria: ACMG Guidelines, 2015. Collection method: clinical testing. Allele origin: germline.
Comment: The ABCA7 c.3726+1G>A variant is predicted to disrupt the GT donor site and interfere with normal splicing. To our knowledge, this variant has not been reported in the literature. This variant is reported in 0.027% of alleles in individuals of South Asian descent in gnomAD. Loss of function is not an established mechanism of ABCA7-related disease. Although we suspect that this variant may be pathogenic, at this time, the clinical significance of this variant is uncertain due to the absence of conclusive functional and genetic evidence.

NM_019112.4(ABCA7):c.3726+1G>A

Gene: ABCA7 (ATP binding cassette subfamily A member 7; plus strand). Cytogenetic location: 19p13.3.
Variant type: single nucleotide variant.
Coding change: c.3726+1G>A on transcript NM_019112.4 (MANE Select); the canonical splice donor site of the intron after coding-DNA position 3726, G replaced by A.
Molecular consequence: splice donor variant.
Genome position (GRCh38, 1-based): chr19:1,054,342, G>A. VCF-style: chr19-1054342-G-A. GRCh37 (hg19) VCF-style: chr19-1054341-G-A.
Identifiers: ClinVar variation 4981622 (VCV004981622.1).